The following is an entry in ClinVar:

NM_001352754.2(ARMC9):c.936A>T (p.Leu312Phe)

Gene: ARMC9 (armadillo repeat containing 9; plus strand). Cytogenetic location: 2q37.1.
Variant type: single nucleotide variant.
Coding change: c.936A>T on transcript NM_001352754.2 (MANE Select); coding-DNA position 936, A replaced by T.
Protein change: p.Leu312Phe; replaces leucine 312 with phenylalanine.
Molecular consequence: missense variant. On other transcripts: non-coding transcript variant (1).
Genome position (GRCh38, 1-based): chr2:231,259,012, A>T. VCF-style: chr2-231259012-A-T. GRCh37 (hg19) VCF-style: chr2-232123725-A-T.
Other names: c.936A>T, p.Leu312Phe (NM_001271466.4, NM_001291656.2, NM_001352755.2 and 3 more transcripts); c.837A>T, p.Leu279Phe (NM_001352757.2, NM_001352758.2); short protein forms L279F, L312F.
Identifiers: ClinVar variation 1057465 (VCV001057465.7), dbSNP rs201981676, ClinGen allele CA2160132.

ClinVar aggregate classification (germline): Uncertain significance (1 of 4 stars; one submission).

Allele frequency attached by ClinVar (database versions not stated): gnomAD exomes below 0.00001; ExAC 0.00002; gnomAD 0.00002; TOPMed 0.00002.
gnomAD v4.1: 5 of 1,613,646 alleles (0.00031%); highest among the groups gnomAD compares: African/African-American, 0.0027%; no homozygotes.

Submission:

Labcorp Genetics (formerly Invitae), Labcorp
Classification: Uncertain significance. Last evaluated: 2022-02-03. Review status: criteria provided, single submitter. Criteria: Invitae Variant Classification Sherloc (09022015). Collection method: clinical testing. Allele origin: germline.
Comment: This sequence change replaces leucine, which is neutral and non-polar, with phenylalanine, which is neutral and non-polar, at codon 312 of the ARMC9 protein (p.Leu312Phe). This variant is present in population databases (rs201981676, gnomAD 0.007%). This variant has not been reported in the literature in individuals affected with ARMC9-related conditions. ClinVar contains an entry for this variant (Variation ID: 1057465). Experimental studies and prediction algorithms are not available or were not evaluated, and the functional significance of this variant is currently unknown. In summary, the available evidence is currently insufficient to determine the role of this variant in disease. Therefore, it has been classified as a Variant of Uncertain Significance.